The following is an entry in ClinVar:

ClinVar aggregate classification (germline): Uncertain significance (1 of 4 stars; one submission).

Conditions:
Luscan-Lumish syndrome. Identifiers: Orphanet 597738, MedGen C4085873, MONDO:0014791, OMIM 616831.

Submission:

Labcorp Genetics (formerly Invitae), Labcorp
Classification: Uncertain significance for Luscan-Lumish syndrome. Last evaluated: 2022-11-01. Review status: criteria provided, single submitter. Criteria: Invitae Variant Classification Sherloc (09022015). Collection method: clinical testing. Allele origin: germline.
Comment: This variant is not present in population databases (gnomAD no frequency). In summary, the available evidence is currently insufficient to determine the role of this variant in disease. Therefore, it has been classified as a Variant of Uncertain Significance. Advanced modeling of protein sequence and biophysical properties (such as structural, functional, and spatial information, amino acid conservation, physicochemical variation, residue mobility, and thermodynamic stability) performed at Invitae indicates that this missense variant is not expected to disrupt SETD2 protein function. ClinVar contains an entry for this variant (Variation ID: 862769). This variant has not been reported in the literature in individuals affected with SETD2-related conditions. This sequence change replaces asparagine, which is neutral and polar, with serine, which is neutral and polar, at codon 1384 of the SETD2 protein (p.Asn1384Ser).

NM_014159.7(SETD2):c.4151A>G (p.Asn1384Ser)

Gene: SETD2 (SET domain containing 2, histone lysine methyltransferase; minus strand). Cytogenetic location: 3p21.31.
Variant type: single nucleotide variant.
Coding change: c.4151A>G on transcript NM_014159.7 (MANE Select); coding-DNA position 4151, A replaced by G.
Protein change: p.Asn1384Ser; replaces asparagine 1384 with serine.
Molecular consequence: missense variant. On other transcripts: non-coding transcript variant (1).
Genome position (GRCh38, 1-based): chr3:47,120,485, T>C on the plus strand (A>G on the coding strand, the complement: SETD2 is on the minus strand). VCF-style: chr3-47120485-T-C. GRCh37 (hg19) VCF-style: chr3-47161975-T-C.
Other names: c.4019A>G, p.Asn1340Ser (NM_001349370.3); short protein forms N1340S, N1384S.
Identifiers: ClinVar variation 862769 (VCV000862769.6), dbSNP rs2043028879, ClinGen allele CA352518440.
Genomic context (GRCh38, chr3:47,120,485, plus strand): 5'-AGAGGCCCTCTATCTTTGATATCATTTTTTTCTAAGTTTTTTGAAAAATCTTTCTTTTCA[T>C]TCACAGCTAAAGTGTCCTTAATGGAATTGCTGCTTATTTCAGGTGCTTGCACTGACCCCT-3'
Protein context (NP_054878.5, residues 1374-1394): SNSIKDTLAV[Asn1384Ser]EKKDFSKNLE